The following is an entry in ClinVar:

NC_000001.10:g.(?_161275666)_(161279695_?)del

Gene: MPZ (myelin protein zero; minus strand). Cytogenetic location: 1q23.3.
Variant type: Deletion.
Identifiers: ClinVar variation 2423232 (VCV002423232.4).

ClinVar aggregate classification (germline): Pathogenic (1 of 4 stars; one submission).

Conditions:
Charcot-Marie-Tooth disease, type I (CMT1). Also called: Charcot-Marie-Tooth disease type 1; Charcot-Marie-Tooth, Type 1. Identifiers: Orphanet 65753, MedGen C0751036, MONDO:0019011.

Submission:

Labcorp Genetics (formerly Invitae), Labcorp
Classification: Pathogenic for Charcot-Marie-Tooth disease, type I. Last evaluated: 2023-05-30. Review status: criteria provided, single submitter. Criteria: Invitae Variant Classification Sherloc (09022015). Collection method: clinical testing. Allele origin: germline.
Comment: For these reasons, this variant has been classified as Pathogenic. This variant has not been reported in the literature in individuals affected with MPZ-related conditions. A gross deletion of the genomic region encompassing the full coding sequence of the MPZ gene has been identified. Loss-of-function variants in MPZ are known to be pathogenic (PMID: 14711881). The boundaries of this event are unknown as they extend beyond the assayed region for this gene and therefore may encompass additional genes.

Literature cited by the submitters: PubMed 14711881.